The following is an entry in ClinVar:

NM_015978.3(TNNI3K):c.1622A>G (p.Tyr541Cys)

Genes: FPGT-TNNI3K (FPGT-TNNI3K readthrough; plus strand), TNNI3K (TNNI3 interacting kinase; plus strand). Cytogenetic location: 1p31.1.
Variant type: single nucleotide variant.
Coding change: c.1622A>G on transcript NM_015978.3 (MANE Select); coding-DNA position 1622, A replaced by G.
Protein change: p.Tyr541Cys; replaces tyrosine 541 with cysteine.
Molecular consequence: missense variant.
Genome position (GRCh38, 1-based): chr1:74,369,540, A>G. VCF-style: chr1-74369540-A-G. GRCh37 (hg19) VCF-style: chr1-74835224-A-G.
Other names: c.1925A>G, p.Tyr642Cys (NM_001112808.3, NM_001199327.2); short protein forms Y642C, Y541C.
Identifiers: ClinVar variation 2051703 (VCV002051703.4), dbSNP rs2524471254, ClinGen allele CA340786377.

ClinVar aggregate classification (germline): Uncertain significance (1 of 4 stars; one submission).

Allele frequency attached by ClinVar (database versions not stated): gnomAD exomes below 0.00001.
gnomAD v4.1: 1 of 1,612,418 alleles (0.000062%); highest among the groups gnomAD compares: Non-Finnish European, 0.000085%; no homozygotes.

Submission:

Labcorp Genetics (formerly Invitae), Labcorp
Classification: Uncertain significance. Last evaluated: 2024-05-02. Review status: criteria provided, single submitter. Criteria: Invitae Variant Classification Sherloc (09022015). Collection method: clinical testing. Allele origin: germline.
Comment: This sequence change replaces tyrosine, which is neutral and polar, with cysteine, which is neutral and slightly polar, at codon 541 of the TNNI3K protein (p.Tyr541Cys). This variant is not present in population databases (gnomAD no frequency). This variant has not been reported in the literature in individuals affected with TNNI3K-related conditions. ClinVar contains an entry for this variant (Variation ID: 2051703). Advanced modeling of protein sequence and biophysical properties (such as structural, functional, and spatial information, amino acid conservation, physicochemical variation, residue mobility, and thermodynamic stability) performed at Invitae indicates that this missense variant is not expected to disrupt TNNI3K protein function with a negative predictive value of 80%. In summary, the available evidence is currently insufficient to determine the role of this variant in disease. Therefore, it has been classified as a Variant of Uncertain Significance.